The following is an entry in ClinVar:

NM_032638.5(GATA2):c.76C>T (p.His26Tyr)

Gene: GATA2 (GATA binding protein 2; minus strand). Cytogenetic location: 3q21.3.
Variant type: single nucleotide variant.
Coding change: c.76C>T on transcript NM_032638.5 (MANE Select); coding-DNA position 76, C replaced by T.
Protein change: p.His26Tyr; replaces histidine 26 with tyrosine.
Molecular consequence: missense variant.
Genome position (GRCh38, 1-based): chr3:128,486,956, G>A on the plus strand (C>T on the coding strand, the complement: GATA2 is on the minus strand). VCF-style: chr3-128486956-G-A. GRCh37 (hg19) VCF-style: chr3-128205799-G-A.
Other names: c.76C>T, p.His26Tyr (NM_001145661.2, NM_001145662.1); short protein forms H26Y.
Identifiers: ClinVar variation 2949608 (VCV002949608.4), dbSNP rs1576749889, ClinGen allele CA354409027.

ClinVar aggregate classification (germline): Uncertain significance. Review status: criteria provided, multiple submitters, no conflicts (2 of 4 stars). 2 submissions from 2 submitters: Uncertain significance (2). Last evaluated 2026-07-07.

Conditions:
Deafness-lymphedema-leukemia syndrome. Also called: Emberger syndrome; Lymphedema, primary, with myelodysplasia. Identifiers: Orphanet 3226, MedGen C3279664, MONDO:0013540, OMIM 614038.
Monocytopenia with susceptibility to infections. Also called: MONOCYTOPENIA AND MYCOBACTERIAL INFECTION SYNDROME; MONOCYTOPENIA WITH SUSCEPTIBILITY TO MYCOBACTERIAL, FUNGAL, AND PAPILLOMAVIRUS INFECTIONS AND MYELODYSPLASIA; COMBINED IMMUNODEFICIENCY WITH SUSCEPTIBILITY TO MYCOBACTERIAL, VIRAL, AND FUNGAL INFECTIONS; Dendritic cell, monocyte, B lymphocyte, and natural killer lymphocyte deficiency; GATA2 DEFICIENCY; IMMUNODEFICIENCY 21. Identifiers: Orphanet 228423, MedGen C3280030, MONDO:0013607, OMIM 614172.
Inborn genetic diseases. Identifiers: MedGen C0950123, MeSH D030342.

gnomAD v4.1: 3 of 1,612,382 alleles (0.00019%); highest among the groups gnomAD compares: Non-Finnish European, 0.00025%; no homozygotes.

Submissions (2):

Ambry Genetics
Classification: Uncertain significance for Inborn genetic diseases. Last evaluated: 2026-07-07. Review status: criteria provided, single submitter. Criteria: Ambry Variant Classification Scheme 2023. Collection method: clinical testing. Allele origin: germline.
Comment: The p.H26Y variant (also known as c.76C>T), located in coding exon 1 of the GATA2 gene, results from a C to T substitution at nucleotide position 76. The histidine at codon 26 is replaced by tyrosine, an amino acid with similar properties. This amino acid position is conserved. In addition, this alteration is predicted to be deleterious by in silico analysis. Based on the available evidence, the clinical significance of this variant remains unclear.

Labcorp Genetics (formerly Invitae), Labcorp
Classification: Uncertain significance for Monocytopenia with susceptibility to infections; Deafness-lymphedema-leukemia syndrome. Last evaluated: 2023-07-10. Review status: criteria provided, single submitter. Criteria: Invitae Variant Classification Sherloc (09022015). Collection method: clinical testing. Allele origin: germline.
Comment: This sequence change replaces histidine, which is basic and polar, with tyrosine, which is neutral and polar, at codon 26 of the GATA2 protein (p.His26Tyr). This variant is not present in population databases (gnomAD no frequency). This variant has not been reported in the literature in individuals affected with GATA2-related conditions. Advanced modeling of protein sequence and biophysical properties (such as structural, functional, and spatial information, amino acid conservation, physicochemical variation, residue mobility, and thermodynamic stability) has been performed at Invitae for this missense variant, however the output from this modeling did not meet the statistical confidence thresholds required to predict the impact of this variant on GATA2 protein function. In summary, the available evidence is currently insufficient to determine the role of this variant in disease. Therefore, it has been classified as a Variant of Uncertain Significance.